The following is an entry in ClinVar:

NM_001039141.3(TRIOBP):c.4562G>A (p.Gly1521Asp)

Gene: TRIOBP (TRIO and F-actin binding protein; plus strand). Cytogenetic location: 22q13.1.
Variant type: single nucleotide variant.
Coding change: c.4562G>A on transcript NM_001039141.3 (MANE Select); coding-DNA position 4562, G replaced by A.
Protein change: p.Gly1521Asp; replaces glycine 1521 with aspartic acid.
Molecular consequence: missense variant.
Genome position (GRCh38, 1-based): chr22:37,734,898, G>A. VCF-style: chr22-37734898-G-A. GRCh37 (hg19) VCF-style: chr22-38130905-G-A.
Other names: short protein forms G1521D.
Identifiers: ClinVar variation 3369216 (VCV003369216.1).

ClinVar aggregate classification (germline): Uncertain significance (1 of 4 stars; one submission).

gnomAD v4.1: 3 of 1,613,240 alleles (0.00019%); highest among the groups gnomAD compares: South Asian, 0.0011%; no homozygotes.

Submission:

GeneDx
Classification: Uncertain significance. Last evaluated: 2024-02-15. Review status: criteria provided, single submitter. Criteria: GeneDx Variant Classification Process June 2021. Collection method: clinical testing. Allele origin: germline. Affected: yes.
Comment: Not observed at significant frequency in large population cohorts (gnomAD); In silico analysis supports that this missense variant has a deleterious effect on protein structure/function; Has not been previously published as pathogenic or benign to our knowledge